The following is an entry in ClinVar:

ClinVar aggregate classification (germline): Pathogenic. Review status: criteria provided, multiple submitters, no conflicts (2 of 4 stars). 2 submissions from 2 submitters: Pathogenic (2). Last evaluated 2021-01-26.

Conditions:
Hereditary cancer-predisposing syndrome. Also called: Tumor predisposition; Hereditary neoplastic syndrome; Hereditary Cancer Syndrome; Neoplastic Syndromes, Hereditary. Identifiers: Orphanet 140162, MedGen C0027672, MeSH D009386, MONDO:0015356.

Submissions (2):

Color Diagnostics, LLC DBA Color Health
Classification: Pathogenic for Hereditary cancer-predisposing syndrome. Last evaluated: 2021-01-26. Review status: criteria provided, single submitter. Criteria: ACMG Guidelines, 2015. Collection method: clinical testing. Allele origin: germline.
Comment: This variant deletes 4 nucleotides in exon 11 of the BRCA2 gene, creating a frameshift and premature translation stop signal. This variant is expected to result in an absent or non-functional protein product. To our knowledge, this variant has not been reported in individuals affected with hereditary cancer in the literature. This variant has not been identified in the general population by the Genome Aggregation Database (gnomAD). Loss of BRCA2 function is a known mechanism of disease. Based on the available evidence, this variant is classified as Pathogenic.

Ambry Genetics
Classification: Pathogenic for Hereditary cancer-predisposing syndrome. Last evaluated: 2016-04-04. Review status: criteria provided, single submitter. Criteria: Ambry Variant Classification Scheme 2023. Collection method: clinical testing. Allele origin: germline.
Comment: The c.4556_4559delCTAC pathogenic mutation, located in coding exon 10 of the BRCA2 gene, results from a deletion of 4 nucleotides between nucleotide positions 4556 and 4559, causing a translational frameshift with a predicted alternate stop codon. Since frameshifts are typically deleterious in nature, this alteration is interpreted as a disease-causing mutation (ACMG Recommendations for Standards for Interpretation and Reporting of Sequence Variations. Revision 2007. Genet Med. 2008;10:294).

NM_000059.4(BRCA2):c.4556_4559del (p.Pro1519fs)

Gene: BRCA2 (BRCA2 DNA repair associated; plus strand). Cytogenetic location: 13q13.1.
Variant type: Deletion.
Coding change: c.4556_4559del on transcript NM_000059.4 (MANE Select); coding-DNA positions 4556 to 4559, 4 bases deleted (CTAC; older notation c.4556_4559delCTAC).
Protein change: p.Pro1519fs; shifts the reading frame from proline 1519.
Molecular consequence: frameshift variant.
Genome position (GRCh38, 1-based): chr13:32,338,911-32,338,914, CTAC deleted; deleting any 4 consecutive bases within chr13:32,338,909-32,338,914 gives the same sequence; the c. name uses the placement nearest the transcript's 3' end. VCF-style (leftmost placement, unchanged base first): chr13-32338908-AACCT-A. GRCh37 (hg19) VCF-style: chr13-32913045-AACCT-A.
Other names: c.4556_4559delCTAC (NM_000059.3); short protein forms P1519fs.
Identifiers: ClinVar variation 1171988 (VCV001171988.4), dbSNP rs2137507601, ClinGen allele CA2499222171.